The following is an entry in ClinVar:

ClinVar aggregate classification (germline): Uncertain significance. Review status: criteria provided, multiple submitters, no conflicts (2 of 4 stars). 4 submissions from 4 submitters: Uncertain significance (4). Last evaluated 2026-05-22.

Conditions:
SDCCAG8-related disorder. Also called: SDCCAG8-related condition; SDCCAG8-Related Disorders.
Bardet-Biedl syndrome 16 (BBS16). Identifiers: Orphanet 110, MedGen C3889474, MONDO:0014444, OMIM 615993.
Senior-Loken syndrome 7 (SLSN7). Identifiers: Orphanet 3156, MedGen C3150877, MONDO:0013326, OMIM 613615.

Allele frequency attached by ClinVar (database versions not stated): gnomAD exomes 0.00003; TOPMed 0.00005; gnomAD 0.00007.
gnomAD v4.1: 62 of 1,572,180 alleles (0.0039%); highest among the groups gnomAD compares: African/African-American, 0.027%; no homozygotes.

Submissions (4):

PreventionGenetics, part of Exact Sciences
Classification: Uncertain significance for SDCCAG8-related condition. Last evaluated: 2026-05-22. Review status: criteria provided, single submitter. Criteria: ACMG Guidelines, 2015. Collection method: clinical testing. Allele origin: germline.
Comment: The SDCCAG8 c.1115C>T variant is predicted to result in the amino acid substitution p.Ala372Val. To our knowledge, this variant has not been reported in the literature. This variant is reported in 0.011% of alleles in individuals of Latino descent in gnomAD. At this time, the clinical significance of this variant is uncertain due to the absence of conclusive functional and genetic evidence.

Blueprint Genetics
Classification: Uncertain significance. Last evaluated: 2023-05-17. Review status: criteria provided, single submitter. Criteria: ACMG Guidelines, 2015. Collection method: clinical testing. Allele origin: germline.

Labcorp Genetics (formerly Invitae), Labcorp
Classification: Uncertain significance for Bardet-Biedl syndrome 16; Senior-Loken syndrome 7. Last evaluated: 2022-08-31. Review status: criteria provided, single submitter. Criteria: Invitae Variant Classification Sherloc (09022015). Collection method: clinical testing. Allele origin: germline.
Comment: This sequence change replaces alanine, which is neutral and non-polar, with valine, which is neutral and non-polar, at codon 372 of the SDCCAG8 protein (p.Ala372Val). This variant is present in population databases (rs74701277, gnomAD 0.01%). This variant has not been reported in the literature in individuals affected with SDCCAG8-related conditions. ClinVar contains an entry for this variant (Variation ID: 1042069). Algorithms developed to predict the effect of missense changes on protein structure and function (SIFT, PolyPhen-2, Align-GVGD) all suggest that this variant is likely to be tolerated. Algorithms developed to predict the effect of sequence changes on RNA splicing suggest that this variant may create or strengthen a splice site. In summary, the available evidence is currently insufficient to determine the role of this variant in disease. Therefore, it has been classified as a Variant of Uncertain Significance.

Fulgent Genetics
Classification: Uncertain significance for Senior-Loken syndrome 7; Bardet-Biedl syndrome 16. Last evaluated: 2022-04-02. Review status: criteria provided, single submitter. Criteria: ACMG Guidelines, 2015. Collection method: clinical testing. Allele origin: unknown.

NM_006642.5(SDCCAG8):c.1115C>T (p.Ala372Val)

Gene: SDCCAG8 (SHH signaling and ciliogenesis regulator SDCCAG8; plus strand). Cytogenetic location: 1q43.
Variant type: single nucleotide variant.
Coding change: c.1115C>T on transcript NM_006642.5 (MANE Select); coding-DNA position 1115, C replaced by T.
Protein change: p.Ala372Val; replaces alanine 372 with valine.
Molecular consequence: missense variant.
Genome position (GRCh38, 1-based): chr1:243,330,586, C>T. VCF-style: chr1-243330586-C-T. GRCh37 (hg19) VCF-style: chr1-243493888-C-T.
Other names: c.212C>T, p.Ala71Val (NM_001350246.2, NM_001350247.2, NM_001350251.2); c.1211C>T, p.Ala404Val (NM_001350248.2); c.821C>T, p.Ala274Val (NM_001350249.2); c.1115C>T (NM_006642.3); short protein forms A274V, A372V, A71V, A404V.
Identifiers: ClinVar variation 1042069 (VCV001042069.10), dbSNP rs74701277, ClinGen allele CA40445123.
Genomic context (GRCh38, chr1:243,330,586, plus strand): 5'-TTCTATCCTGGCAGGCTTTAATCCAGTGTGACCAGTTGAGGAAGGAGCTGGAGAGGCAGG[C>T]GGAGCGACTTGAAAAAGAACTTGCATCTCAGCAAGAGAAAAGGGCCATTGAGAAAGACAT-3'
Protein context (NP_006633.1, residues 362-382): DQLRKELERQ[Ala372Val]ERLEKELASQ